The following is an entry in ClinVar:

ClinVar aggregate classification (germline): Uncertain significance (1 of 4 stars; one submission).

gnomAD v4.1: 13 of 1,613,974 alleles (0.00081%); highest among the groups gnomAD compares: Non-Finnish European, 0.0011%; no homozygotes.

Submission:

Labcorp Genetics (formerly Invitae), Labcorp
Classification: Uncertain significance. Last evaluated: 2025-07-21. Review status: criteria provided, single submitter. Criteria: Invitae Variant Classification Sherloc (09022015). Collection method: clinical testing. Allele origin: germline.
Comment: This sequence change replaces glycine, which is neutral and non-polar, with serine, which is neutral and polar, at codon 893 of the ROR2 protein (p.Gly893Ser). This variant is not present in population databases (gnomAD no frequency). This variant has not been reported in the literature in individuals affected with ROR2-related conditions. An algorithm developed to predict the effect of missense changes on protein structure and function outputs the following: PolyPhen-2: "Benign". The serine amino acid residue is found in multiple mammalian species, which suggests that this missense change does not adversely affect protein function. In summary, the available evidence is currently insufficient to determine the role of this variant in disease. Therefore, it has been classified as a Variant of Uncertain Significance.

NM_004560.4(ROR2):c.2677G>A (p.Gly893Ser)

Gene: ROR2 (receptor tyrosine kinase like orphan receptor 2; minus strand). Cytogenetic location: 9q22.31.
Variant type: single nucleotide variant.
Coding change: c.2677G>A on transcript NM_004560.4 (MANE Select); coding-DNA position 2677, G replaced by A.
Protein change: p.Gly893Ser; replaces glycine 893 with serine.
Molecular consequence: missense variant.
Genome position (GRCh38, 1-based): chr9:91,723,817, C>T on the plus strand (G>A on the coding strand, the complement: ROR2 is on the minus strand). VCF-style: chr9-91723817-C-T. GRCh37 (hg19) VCF-style: chr9-94486099-C-T.
Other names: short protein forms G893S.
Identifiers: ClinVar variation 4768114 (VCV004768114.1).